The following is an entry in ClinVar:

NM_007315.4(STAT1):c.1336A>G (p.Ile446Val)

Gene: STAT1 (signal transducer and activator of transcription 1; minus strand). Cytogenetic location: 2q32.2.
Variant type: single nucleotide variant.
Coding change: c.1336A>G on transcript NM_007315.4 (MANE Select); coding-DNA position 1336, A replaced by G.
Protein change: p.Ile446Val; replaces isoleucine 446 with valine.
Molecular consequence: missense variant.
Genome position (GRCh38, 1-based): chr2:190,984,321, T>C on the plus strand (A>G on the coding strand, the complement: STAT1 is on the minus strand). VCF-style: chr2-190984321-T-C. GRCh37 (hg19) VCF-style: chr2-191849047-T-C.
Other names: c.1276A>G, p.Ile426Val (NM_001384880.1); c.1342A>G, p.Ile448Val (NM_001384881.1, NM_001384884.1); c.1330A>G, p.Ile444Val (NM_001384882.1); c.1237A>G, p.Ile413Val (NM_001384883.1); c.1177A>G, p.Ile393Val (NM_001384885.1); c.1336A>G, p.Ile446Val (NM_001384886.1, NM_001384889.1, NM_139266.3); c.1243A>G, p.Ile415Val (NM_001384887.1); c.1306A>G, p.Ile436Val (NM_001384888.1); and 2 more; short protein forms I436V, I458V, I426V, I393V, I444V, I446V, I413V, I415V.
Identifiers: ClinVar variation 1413109 (VCV001413109.9), dbSNP rs1313271807, ClinGen allele CA349917619.
Genomic context (GRCh38, chr2:190,984,321, plus strand): 5'-AAAAGTAAAAATAATGAAGTTTTCCAACTCGGGACCATAAAAGTCTTACCTCGAGGTCAA[T>C]TACCAAACCAGGCTGGCACAATTGGGTTTCAAAACTAAGGGAGTGAAGCTCTTCAGTAAC-3'
Protein context (NP_009330.1, residues 436-456): ETQLCQPGLV[Ile446Val]DLETTSLPVV

ClinVar aggregate classification (germline): Uncertain significance. Review status: criteria provided, multiple submitters, no conflicts (2 of 4 stars). 2 submissions from 2 submitters: Uncertain significance (2). Last evaluated 2025-04-24.

Conditions:
Autoimmune enteropathy and endocrinopathy - susceptibility to chronic infections syndrome. Also called: Immunodeficiency 31C; Immunodeficiency 31C, autosomal dominant. Identifiers: Orphanet 391487, MedGen C3279990, MONDO:0013599, OMIM 614162.
Immunodeficiency 31B. Also called: STAT1 DEFICIENCY, AUTOSOMAL RECESSIVE; IMMUNODEFICIENCY 31B, MYCOBACTERIAL AND VIRAL INFECTIONS, AUTOSOMAL RECESSIVE. Identifiers: Orphanet 391311, MedGen C3151088, MONDO:0013427, OMIM 613796.
Mendelian susceptibility to mycobacterial diseases due to partial STAT1 deficiency. Also called: IMMUNODEFICIENCY 31A, MYCOBACTERIOSIS, AUTOSOMAL DOMINANT; STAT1 DEFICIENCY, AUTOSOMAL DOMINANT; Immunodeficiency 31a. Identifiers: Orphanet 319595, MedGen C4013950, MONDO:0013956, OMIM 614892.

Allele frequency attached by ClinVar (database versions not stated): gnomAD exomes below 0.00001; gnomAD 0.00001.
gnomAD v4.1: 4 of 1,613,834 alleles (0.00025%); highest among the groups gnomAD compares: African/African-American, 0.0027%; no homozygotes.

Submissions (2):

Next Generation Genetic Polyclinic
Classification: Uncertain significance for Autoimmune enteropathy and endocrinopathy - susceptibility to chronic infections syndrome. Last evaluated: 2025-04-24. Review status: criteria provided, single submitter. Criteria: ACMG Guidelines, 2015. Collection method: clinical testing. Allele origin: germline. Affected: yes. Observed: 1 variant allele.
Comment: A novel missense variant in the STAT1 gene (c.1336A>G) was found by clinical testing in a heterozygous state. The variant has a low allele frequency (<0.03) and uncertain clinical significance. Sanger sequencing confirmed variant presence.

Labcorp Genetics (formerly Invitae), Labcorp
Classification: Uncertain significance for Mendelian susceptibility to mycobacterial diseases due to partial STAT1 deficiency; Immunodeficiency 31B; Autoimmune enteropathy and endocrinopathy - susceptibility to chronic infections syndrome. Last evaluated: 2023-11-22. Review status: criteria provided, single submitter. Criteria: Invitae Variant Classification Sherloc (09022015). Collection method: clinical testing. Allele origin: germline.
Comment: This sequence change replaces isoleucine, which is neutral and non-polar, with valine, which is neutral and non-polar, at codon 446 of the STAT1 protein (p.Ile446Val). This variant is present in population databases (no rsID available, gnomAD 0.007%). This variant has not been reported in the literature in individuals affected with STAT1-related conditions. ClinVar contains an entry for this variant (Variation ID: 1413109). An algorithm developed to predict the effect of missense changes on protein structure and function (PolyPhen-2) suggests that this variant is likely to be tolerated. In summary, the available evidence is currently insufficient to determine the role of this variant in disease. Therefore, it has been classified as a Variant of Uncertain Significance.